The following is an entry in ClinVar:

ClinVar aggregate classification (germline): Likely benign (1 of 4 stars; one submission).

Submission:

CeGaT Center for Human Genetics Tuebingen
Classification: Likely benign. Last evaluated: 2026-08-01. Review status: criteria provided, single submitter. Criteria: CeGaT Center For Human Genetics Tuebingen Variant Classification Criteria Version 2. Collection method: clinical testing. Allele origin: germline. Affected: yes. Observed: 1 variant allele.
Comment: F7: PM2:Supporting, BP4, BP7

NM_019616.4(F7):c.660G>C (p.Leu220=)

Gene: F7 (coagulation factor VII; plus strand). Cytogenetic location: 13q34.
Variant type: single nucleotide variant.
Coding change: c.660G>C on transcript NM_019616.4 (MANE Select); coding-DNA position 660, G replaced by C.
Protein change: p.Leu220=; no amino-acid change (leucine 220 retained).
Molecular consequence: synonymous variant. On other transcripts: non-coding transcript variant (1).
Genome position (GRCh38, 1-based): chr13:113,117,517, G>C. VCF-style: chr13-113117517-G-C. GRCh37 (hg19) VCF-style: chr13-113771831-G-C.
Other names: c.726G>C, p.Leu242= (NM_000131.5); c.474G>C, p.Leu158= (NM_001267554.2).
Identifiers: ClinVar variation 5039908 (VCV005039908.1).